The following is an entry in ClinVar:

ClinVar aggregate classification (germline): Conflicting classifications of pathogenicity. Review status: criteria provided, conflicting classifications (1 of 4 stars). 14 submissions from 10 submitters: Uncertain significance (8); Benign (2); Likely benign (2). 2 of the submissions do not count toward it. Last evaluated 2024-07-01.

Conditions:
Cardiovascular phenotype. Identifiers: MedGen CN230736.
Early-onset myopathy with fatal cardiomyopathy (CMYO5). Also called: Salih Myopathy; CONGENITAL MYOPATHY 5 WITH CARDIOMYOPATHY. Identifiers: Orphanet 289377, MedGen C2673677, MONDO:0012714, OMIM 611705. Disease mechanism: loss of function.
Autosomal recessive limb-girdle muscular dystrophy type 2J (LGMDR10). Also called: Limb-girdle muscular dystrophy, type 2J; MUSCULAR DYSTROPHY, LIMB-GIRDLE, AUTOSOMAL RECESSIVE 10. Identifiers: Orphanet 140922, MedGen C1837342, MONDO:0012127, OMIM 608807.
Myopathy, myofibrillar, 9, with early respiratory failure (MFM9). Also called: Hereditary myopathy with early respiratory failure; MYOPATHY, PROXIMAL, WITH EARLY RESPIRATORY MUSCLE INVOLVEMENT; Myopathy, distal, with early respiratory failure, autosomal dominant; EDSTROM MYOPATHY. Identifiers: Orphanet 178464, Orphanet 34521, MedGen C1863599, MONDO:0011362, OMIM 603689.
Dilated cardiomyopathy 1G (CMD1G). Identifiers: Orphanet 154, MedGen C1858763, MONDO:0011400, OMIM 604145.
Tibial muscular dystrophy (TMD). Also called: UDD MYOPATHY; Tibial muscular dystrophy, tardive; Udd Distal Myopathy – Tibial Muscular Dystrophy. Identifiers: Orphanet 609, MedGen C1838244, MONDO:0010870, OMIM 600334.

Allele frequency attached by ClinVar (database versions not stated): TOPMed 0.00004; ExAC 0.00008; gnomAD exomes 0.00008 and 0.00009; ESP Exome Variant Server 0.00016.
gnomAD v4.1: 118 of 1,612,874 alleles (0.0073%); highest among the groups gnomAD compares: South Asian, 0.031%; 1 homozygote.

Submissions (14):

CeGaT Center for Human Genetics Tuebingen
Classification: Uncertain significance. Last evaluated: 2024-07-01. Review status: criteria provided, single submitter. Criteria: CeGaT Center For Human Genetics Tuebingen Variant Classification Criteria Version 2. Collection method: clinical testing. Allele origin: germline. Affected: yes. Observed: 2 variant alleles.
Comment: TTN: PM2:Supporting, BP4

ARUP Laboratories, Molecular Genetics and Genomics, ARUP Laboratories
Classification: Uncertain significance. Last evaluated: 2023-09-28. Review status: criteria provided, single submitter. Criteria: ARUP Molecular Germline Variant Investigation Process 2024. Collection method: clinical testing. Allele origin: germline.
Comment: The TTN c.63907G>A; p.Val21303Met variant (rs372812312; ClinVar Variation ID: 467367) is rare in the general population (<0.2% allele frequency in the Genome Aggregation Database) and has not been reported in the medical literature in association with dilated cardiomyopathy (DCM) or other TTN-related disease. The clinical relevance of rare missense variants in this gene, which are identified on average once per individual sequenced in affected populations (Herman 2012), is not well understood. Yet, evidence suggests that the vast majority of such missense variants do not contribute to the clinical outcome of DCM (Begay 2015). Thus, the clinical significance of the p.Val21303Met variant cannot be determined with certainty. References: Begay RL et al. Role of Titin Missense Variants in Dilated Cardiomyopathy. J Am Heart Assoc. 2015 Nov 13;4(11). PMID: 26567375. Herman DS et al. Truncations of titin causing dilated cardiomyopathy. N Engl J Med. 2012 Feb 16;366(7):619-28. PMID: 22335739. Linke WA and Hamdani N. Gigantic business: titin properties and function through thick and thin. Circ Res 2014; 114(6): 1052-1068. PMID: 24625729.

Women's Health and Genetics/Laboratory Corporation of America, LabCorp
Classification: Uncertain significance. Last evaluated: 2022-08-03. Review status: criteria provided, single submitter. Criteria: LabCorp Variant Classification Summary - May 2015. Collection method: clinical testing. Allele origin: germline.
Comment: Variant summary: TTN c.56203G>A (p.Val18735Met) results in a conservative amino acid change located in the A-band region of the encoded protein sequence. Three of four in-silico tools predict a benign effect of the variant on protein function. The variant allele was found at a frequency of 8.9e-05 in 247532 control chromosomes (gnomAD). To our knowledge, no occurrence of c.56203G>A in individuals affected with Limb-Girdle Muscular Dystrophy, Type 2J and no experimental evidence demonstrating its impact on protein function have been reported. Two ClinVar submitters (evaluation after 2014) cite the variant as benign/likely benign and four ClinVar submitters (evaluation after 2014) cite it as uncertain significance. Based on the evidence outlined above, the variant was classified as uncertain significance.

Ambry Genetics
Classification: Likely benign for Cardiovascular phenotype. Last evaluated: 2020-03-25. Review status: criteria provided, single submitter. Criteria: Ambry Variant Classification Scheme 2023. Collection method: clinical testing. Allele origin: germline.

GeneDx
Classification: Likely benign. Last evaluated: 2019-12-23. Review status: criteria provided, single submitter. Criteria: GeneDx Variant Classification Process June 2021. Collection method: clinical testing. Allele origin: germline. Affected: yes.

Illumina Laboratory Services, Illumina
Classification: Uncertain significance for Early-onset myopathy with fatal cardiomyopathy. Last evaluated: 2018-01-13. Review status: criteria provided, single submitter. Criteria: ICSL Variant Classification Criteria 13 December 2019. Collection method: clinical testing. Allele origin: germline.

Illumina Laboratory Services, Illumina
Classification: Uncertain significance for Dilated cardiomyopathy 1G. Last evaluated: 2018-01-13. Review status: criteria provided, single submitter. Criteria: ICSL Variant Classification Criteria 13 December 2019. Collection method: clinical testing. Allele origin: germline.

Illumina Laboratory Services, Illumina
Classification: Benign for Myopathy, myofibrillar, 9, with early respiratory failure. Last evaluated: 2018-01-13. Review status: criteria provided, single submitter. Criteria: ICSL Variant Classification Criteria 13 December 2019. Collection method: clinical testing. Allele origin: germline.
Comment: This variant was observed in the ICSL laboratory as part of a predisposition screen in an ostensibly healthy population. It had not been previously curated by ICSL or reported in the Human Gene Mutation Database (HGMD: prior to June 1st, 2018), and was therefore a candidate for classification through an automated scoring system. Utilizing variant allele frequency, disease prevalence and penetrance estimates, and inheritance mode, an automated score was calculated to assess if this variant is too frequent to cause the disease. Based on the score and internal cut-off values, a variant classified as benign is not then subjected to further curation. The score for this variant resulted in a classification of benign for this disease.

Illumina Laboratory Services, Illumina
Classification: Benign for Tibial muscular dystrophy. Last evaluated: 2018-01-13. Review status: criteria provided, single submitter. Criteria: ICSL Variant Classification Criteria 13 December 2019. Collection method: clinical testing. Allele origin: germline.
Comment: the same text as in the submission from Illumina Laboratory Services, Illumina above.

Illumina Laboratory Services, Illumina
Classification: Uncertain significance for Autosomal recessive limb-girdle muscular dystrophy type 2J. Last evaluated: 2018-01-13. Review status: criteria provided, single submitter. Criteria: ICSL Variant Classification Criteria 13 December 2019. Collection method: clinical testing. Allele origin: germline.

Labcorp Genetics (formerly Invitae), Labcorp
Classification: Uncertain significance for Dilated cardiomyopathy 1G; Autosomal recessive limb-girdle muscular dystrophy type 2J. Last evaluated: 2017-06-03. Review status: criteria provided, single submitter. Criteria: Invitae Variant Classification Sherloc (09022015). Collection method: clinical testing. Allele origin: germline.

Eurofins Ntd Llc (ga)
Classification: Uncertain significance. Last evaluated: 2016-10-18. Review status: criteria provided, single submitter. Criteria: EGL Classification Definitions 2015. Collection method: clinical testing. Allele origin: germline. Observed: 1 variant allele, 1 heterozygote.

Clinical Genetics, Academic Medical Center
Classification: Uncertain significance. Review status: no assertion criteria provided. Collection method: clinical testing. Allele origin: germline. Affected: yes. Study: VKGL Data-share Consensus. Not counted in ClinVar's aggregate classification.

Genome Diagnostics Laboratory, Amsterdam University Medical Center
Classification: Uncertain significance. Review status: no assertion criteria provided. Collection method: clinical testing. Allele origin: germline. Affected: yes. Study: VKGL Data-share Consensus. Not counted in ClinVar's aggregate classification.

NM_001267550.2(TTN):c.63907G>A (p.Val21303Met)

Genes: TTN-AS1 (TTN antisense RNA 1; plus strand), TTN (titin; minus strand). Cytogenetic location: 2q31.2.
Variant type: single nucleotide variant.
Coding change: c.63907G>A on transcript NM_001267550.2 (MANE Select); coding-DNA position 63907, G replaced by A.
Protein change: p.Val21303Met; replaces valine 21303 with methionine.
Molecular consequence: missense variant.
Genome position (GRCh38, 1-based): chr2:178,587,304, C>T on the plus strand (G>A on the coding strand, the complement: TTN is on the minus strand). VCF-style: chr2-178587304-C-T. GRCh37 (hg19) VCF-style: chr2-179452031-C-T.
Other names: c.58984G>A, p.Val19662Met (NM_001256850.1); c.36712G>A, p.Val12238Met (NM_003319.4); c.56203G>A, p.Val18735Met (NM_133378.4); c.37087G>A, p.Val12363Met (NM_133432.3); c.37288G>A, p.Val12430Met (NM_133437.4); short protein forms V21303M, V18735M, V12238M, V12363M, V12430M, V19662M.
Identifiers: ClinVar variation 467367 (VCV000467367.53), dbSNP rs372812312, ClinGen allele CA1992002.